The following is an entry in ClinVar:

ClinVar aggregate classification (germline): Uncertain significance (1 of 4 stars; one submission).

Conditions:
Peroxisome biogenesis disorder 3A (Zellweger). Also called: PEROXISOMAL BIOGENESIS DISORDER 3A (ZELLWEGER); Peroxisome biogenesis disorder 3A. Identifiers: Orphanet 912, MedGen C3553929, MONDO:0013927, OMIM 614859.

Allele frequency attached by ClinVar (database versions not stated): gnomAD 0.00001.
gnomAD v4.1: 1 of 1,614,052 alleles (0.000062%); highest among the groups gnomAD compares: Admixed American, 0.0017%; no homozygotes.

Submission:

Labcorp Genetics (formerly Invitae), Labcorp
Classification: Uncertain significance for Peroxisome biogenesis disorder 3A (Zellweger). Last evaluated: 2022-03-20. Review status: criteria provided, single submitter. Criteria: Invitae Variant Classification Sherloc (09022015). Collection method: clinical testing. Allele origin: germline.
Comment: This sequence change replaces leucine, which is neutral and non-polar, with arginine, which is basic and polar, at codon 175 of the PEX12 protein (p.Leu175Arg). This variant is not present in population databases (gnomAD no frequency). This variant has not been reported in the literature in individuals affected with PEX12-related conditions. Algorithms developed to predict the effect of missense changes on protein structure and function are either unavailable or do not agree on the potential impact of this missense change (SIFT: "Tolerated"; PolyPhen-2: "Probably Damaging"; Align-GVGD: "Class C0"). In summary, the available evidence is currently insufficient to determine the role of this variant in disease. Therefore, it has been classified as a Variant of Uncertain Significance.

NM_000286.3(PEX12):c.524T>G (p.Leu175Arg)

Gene: PEX12 (peroxisomal biogenesis factor 12; minus strand). Cytogenetic location: 17q12.
Variant type: single nucleotide variant.
Coding change: c.524T>G on transcript NM_000286.3 (MANE Select); coding-DNA position 524, T replaced by G.
Protein change: p.Leu175Arg; replaces leucine 175 with arginine.
Molecular consequence: missense variant.
Genome position (GRCh38, 1-based): chr17:35,577,194, A>C on the plus strand (T>G on the coding strand, the complement: PEX12 is on the minus strand). VCF-style: chr17-35577194-A-C. GRCh37 (hg19) VCF-style: chr17-33904213-A-C.
Other names: short protein forms L175R.
Identifiers: ClinVar variation 2114817 (VCV002114817.1), dbSNP rs2072790518, ClinGen allele CA399137939.